The following is an entry in ClinVar:

ClinVar aggregate classification (germline): Pathogenic. Review status: criteria provided, multiple submitters, no conflicts (2 of 4 stars). 3 submissions from 3 submitters: Pathogenic (3). Last evaluated 2026-08-06.

Conditions:
Developmental and epileptic encephalopathy 6B. Also called: Developmental and epileptic encephalopathy 6B, non-Dravet. Identifiers: MedGen C5543353, MONDO:0030268, OMIM 619317.
Early-infantile DEE. Also called: Early infantile epileptic encephalopathy; Ohtahara syndrome; Early infantile epileptic encephalopathy with suppression bursts. Identifiers: Orphanet 1934, MedGen C0393706, MONDO:0800491.

Submissions (3):

Clinical Biomedical Laboratory, Shriners Hospital For Children - Canada
Classification: Pathogenic for Developmental and epileptic encephalopathy 6B. Last evaluated: 2026-08-06. Review status: criteria provided, single submitter. Criteria: ACMG Guidelines, 2015. Collection method: clinical testing. Allele origin: de novo. Inheritance: Autosomal dominant inheritance. Affected: yes. Observed: 1 variant allele, 1 heterozygote.
Comment: This variant is absent from gnomad v.2.1.1 and is predicted to be deleterious to protein function. The gene is associated with infantile developmental and epileptic encephalopathy, which is consistent with the reported phenotype of the proband. The varioant has been previously reported as a cause of infantile developmental and epileptic encephalopathy (PMID:35037686).

Labcorp Genetics (formerly Invitae), Labcorp
Classification: Pathogenic for Early-infantile DEE. Last evaluated: 2024-09-30. Review status: criteria provided, single submitter. Criteria: Invitae Variant Classification Sherloc (09022015). Collection method: clinical testing. Allele origin: germline.
Comment: This sequence change replaces isoleucine, which is neutral and non-polar, with valine, which is neutral and non-polar, at codon 1347 of the SCN1A protein (p.Ile1347Val). This variant is not present in population databases (gnomAD no frequency). This missense change has been observed in individual(s) with clinical features of autosomal dominant SCN1A-related disorders (internal data). In at least one individual the variant was observed to be de novo. Invitae Evidence Modeling of protein sequence and biophysical properties (such as structural, functional, and spatial information, amino acid conservation, physicochemical variation, residue mobility, and thermodynamic stability) indicates that this missense variant is expected to disrupt SCN1A protein function with a positive predictive value of 95%. This variant disrupts the p.Ile1347 amino acid residue in SCN1A. Other variant(s) that disrupt this residue have been determined to be pathogenic (PMID: 27652284; internal data). This suggests that this residue is clinically significant, and that variants that disrupt this residue are likely to be disease-causing. For these reasons, this variant has been classified as Pathogenic.

GeneDx
Classification: Pathogenic. Last evaluated: 2024-09-11. Review status: criteria provided, single submitter. Criteria: GeneDx Variant Classification Process June 2021. Collection method: clinical testing. Allele origin: germline. Affected: yes.
Comment: Not observed at significant frequency in large population cohorts (gnomAD); This substitution is predicted to be within the transmembrane segment S5 of the third homologous domain; In silico analysis indicates that this missense variant does not alter protein structure/function; This variant is associated with the following publications: (PMID: 27652284, 35696452)

Literature cited by the submitters: PubMed 35037686 (cited by Clinical Biomedical Laboratory, Shriners Hospital For Children - Canada); PubMed 27652284 (cited by Labcorp Genetics (formerly Invitae), Labcorp).

NM_001165963.4(SCN1A):c.4039A>G (p.Ile1347Val)

Genes: SCN1A (sodium voltage-gated channel alpha subunit 1; minus strand), LOC102724058 (uncharacterized LOC102724058; plus strand). Cytogenetic location: 2q24.3.
Variant type: single nucleotide variant.
Coding change: c.4039A>G on transcript NM_001165963.4 (MANE Select); coding-DNA position 4039, A replaced by G.
Protein change: p.Ile1347Val; replaces isoleucine 1347 with valine.
Molecular consequence: missense variant. On other transcripts: non-coding transcript variant (1).
Genome position (GRCh38, 1-based): chr2:166,002,717, T>C on the plus strand (A>G on the coding strand, the complement: SCN1A is on the minus strand). VCF-style: chr2-166002717-T-C. GRCh37 (hg19) VCF-style: chr2-166859227-T-C.
Other names: c.4006A>G, p.Ile1336Val (NM_001353952.2, NM_006920.6, NM_001353949.2 and 2 more transcripts); c.4003A>G, p.Ile1335Val (NM_001353954.2, NM_001353955.2); c.3955A>G, p.Ile1319Val (NM_001353957.2, NM_001353958.2, NM_001165964.3); c.3952A>G, p.Ile1318Val (NM_001353960.2); c.1597A>G, p.Ile533Val (NM_001353961.2); c.4039A>G, p.Ile1347Val (NM_001202435.3, NM_001353948.2); c.4039A>G (NM_001165963.1); short protein forms I1347V, I1335V, I533V, I1319V, I1318V, I1336V.
Identifiers: ClinVar variation 2775809 (VCV002775809.5), dbSNP rs2468437769, ClinGen allele CA349050740.
Genomic context (GRCh38, chr2:166,002,717, plus strand): 5'-TTACGCCCATGATGCTGAAAATTAGCCAGAATATAAGACAAACCAGAAGCACATTCATGA[T>C]GGATGGAATTGCTCCTAAAAGGGCATTCACAACCACCTAATACACAAATGGAAAAAAAGA-3'
Protein context (NP_001159435.1, residues 1337-1357): VNALLGAIPS[Ile1347Val]MNVLLVCLIF